The following is an entry in ClinVar:

ClinVar aggregate classification (germline): Uncertain significance (1 of 4 stars; one submission).

Conditions:
Marfan syndrome (MFS). Also called: FBN1-Related Marfan Syndrome; MARFAN SYNDROME, TYPE I; Marfan syndrome type 1; Marfan's syndrome; Marfan syndrome, classic. Identifiers: Orphanet 284963, Orphanet 558, MedGen C0024796, MONDO:0007947, OMIM 154700.
Familial thoracic aortic aneurysm and aortic dissection (TAAD). Also called: Thoracic aortic aneurysms and dissections. Identifiers: Orphanet 91387, MedGen C4707243, MONDO:0019625.

Submission:

Labcorp Genetics (formerly Invitae), Labcorp
Classification: Uncertain significance for Marfan syndrome; Familial thoracic aortic aneurysm and aortic dissection. Last evaluated: 2025-11-22. Review status: criteria provided, single submitter. Criteria: Invitae Variant Classification Sherloc (09022015). Collection method: clinical testing. Allele origin: germline.
Comment: This sequence change replaces methionine, which is neutral and non-polar, with valine, which is neutral and non-polar, at codon 2692 of the FBN1 protein (p.Met2692Val). This variant is not present in population databases (gnomAD no frequency). This missense change has been observed in individual(s) with Marfan syndrome (PMID: 26787436). Invitae Evidence Modeling of protein sequence and biophysical properties (such as structural, functional, and spatial information, amino acid conservation, physicochemical variation, residue mobility, and thermodynamic stability) indicates that this missense variant is not expected to disrupt FBN1 protein function with a negative predictive value of 95%. In summary, the available evidence is currently insufficient to determine the role of this variant in disease. Therefore, it has been classified as a Variant of Uncertain Significance.

Literature cited by the submitters: PubMed 26787436.

NM_000138.5(FBN1):c.8074A>G (p.Met2692Val)

Gene: FBN1 (fibrillin 1; minus strand). Cytogenetic location: 15q21.1.
Variant type: single nucleotide variant.
Coding change: c.8074A>G on transcript NM_000138.5 (MANE Select); coding-DNA position 8074, A replaced by G.
Protein change: p.Met2692Val; replaces methionine 2692 with valine.
Molecular consequence: missense variant.
Genome position (GRCh38, 1-based): chr15:48,412,721, T>C on the plus strand (A>G on the coding strand, the complement: FBN1 is on the minus strand). VCF-style: chr15-48412721-T-C. GRCh37 (hg19) VCF-style: chr15-48704918-T-C.
Other names: c.8074A>G, p.Met2692Val (NM_001406716.1); short protein forms M2692V.
Identifiers: ClinVar variation 4783784 (VCV004783784.1).
Genomic context (GRCh38, chr15:48,412,721, plus strand): 5'-GGGAGAGTGAATTGTCATCCATTTCACCACTGACAGGTGGCTCTGGGTTTCCTCGGCCCA[T>C]GCCCATTCCAGAAACACAGTGCCTGCAGCAGAAGGGGAGCATAGATGTTTTTCATTAGAA-3'
Protein context (NP_000129.3, residues 2682-2702): GQGHCVSGMG[Met2692Val]GRGNPEPPVS